The following is an entry in ClinVar:

ClinVar aggregate classification (germline): Benign/Likely benign. Review status: criteria provided, multiple submitters, no conflicts (2 of 4 stars). 5 submissions from 5 submitters: Benign (1); Likely benign (4). Last evaluated 2024-08-29.

Conditions:
Familial adenomatous polyposis 1 (FAP1). Also called: POLYPOSIS, ADENOMATOUS INTESTINAL; FAMILIAL ADENOMATOUS POLYPOSIS 1, ATTENUATED. Identifiers: MedGen C2713442, MONDO:0021056, OMIM 175100. Disease mechanism: loss of function.
Classic or attenuated familial adenomatous polyposis. Identifiers: MedGen CN372698, MONDO:0021057.
Hereditary cancer-predisposing syndrome. Also called: Hereditary Cancer Syndrome; Neoplastic Syndromes, Hereditary; Tumor predisposition; Hereditary neoplastic syndrome. Identifiers: Orphanet 140162, MedGen C0027672, MeSH D009386, MONDO:0015356.

Submissions (5):

All of Us Research Program, National Institutes of Health
Classification: Likely benign for Classic or attenuated familial adenomatous polyposis. Last evaluated: 2024-08-29. Review status: criteria provided, single submitter. Criteria: ACMG Guidelines, 2015. Collection method: clinical testing. Allele origin: germline. Inheritance: Autosomal dominant inheritance. Observed: 1 variant allele, 1 heterozygote.
Comment: This study involves interpretation of variants in research participants for the purpose of population health screening. Participant phenotype was not available at the time of variant classification. Additional details can be found in publication PMID: 35346344, PMCID: PMC8962531

Myriad Genetics, Inc.
Classification: Benign for Familial adenomatous polyposis 1. Last evaluated: 2024-04-04. Review status: criteria provided, single submitter. Criteria: Myriad Autosomal Dominant, Autosomal Recessive and X-Linked Classification Criteria (2023). Collection method: clinical testing. Allele origin: unknown.
Comment: This variant is considered benign. This variant is a silent/synonymous amino acid change and it is not expected to impact splicing.

Labcorp Genetics (formerly Invitae), Labcorp
Classification: Likely benign for Familial adenomatous polyposis 1. Last evaluated: 2023-12-27. Review status: criteria provided, single submitter. Criteria: Invitae Variant Classification Sherloc (09022015). Collection method: clinical testing. Allele origin: germline.

Ambry Genetics
Classification: Likely benign for Hereditary cancer-predisposing syndrome. Last evaluated: 2018-12-14. Review status: criteria provided, single submitter. Criteria: Ambry Variant Classification Scheme 2023. Collection method: clinical testing. Allele origin: germline.

Color Diagnostics, LLC DBA Color Health
Classification: Likely benign for Hereditary cancer-predisposing syndrome. Last evaluated: 2017-07-17. Review status: criteria provided, single submitter. Criteria: ACMG Guidelines, 2015. Collection method: clinical testing. Allele origin: germline.

NM_000038.6(APC):c.6480A>C (p.Thr2160=)

Gene: APC (APC regulator of Wnt signaling pathway; plus strand). Cytogenetic location: 5q22.2.
Variant type: single nucleotide variant.
Coding change: c.6480A>C on transcript NM_000038.6 (MANE Select); coding-DNA position 6480, A replaced by C.
Protein change: p.Thr2160=; no amino-acid change (threonine 2160 retained).
Molecular consequence: synonymous variant.
Genome position (GRCh38, 1-based): chr5:112,842,074, A>C. VCF-style: chr5-112842074-A-C. GRCh37 (hg19) VCF-style: chr5-112177771-A-C.
Other names: c.6480A>C, p.Thr2160= (NM_001127510.3, NM_001354895.2); c.6426A>C, p.Thr2142= (NM_001127511.3); c.6534A>C, p.Thr2178= (NM_001354896.2); c.6510A>C, p.Thr2170= (NM_001354897.2); c.6405A>C, p.Thr2135= (NM_001354898.2); c.6396A>C, p.Thr2132= (NM_001354899.2); c.6357A>C, p.Thr2119= (NM_001354900.2); c.6303A>C, p.Thr2101= (NM_001354901.2); and 5 more.
Identifiers: ClinVar variation 490337 (VCV000490337.12), dbSNP rs1554087452, ClinGen allele CA446210559.